The following is an entry in ClinVar:

NM_003823.4(TNFRSF6B):c.869G>C (p.Arg290Pro)

Genes: TNFRSF6B (TNF receptor superfamily member 6b; plus strand), RTEL1-TNFRSF6B (RTEL1-TNFRSF6B readthrough (NMD candidate); plus strand). Cytogenetic location: 20q13.33.
Variant type: single nucleotide variant.
Coding change: c.869G>C on transcript NM_003823.4 (MANE Select); coding-DNA position 869, G replaced by C.
Protein change: p.Arg290Pro; replaces arginine 290 with proline.
Molecular consequence: missense variant. On other transcripts: non-coding transcript variant (1).
Genome position (GRCh38, 1-based): chr20:63,698,529, G>C. VCF-style: chr20-63698529-G-C. GRCh37 (hg19) VCF-style: chr20-62329882-G-C.
Other names: short protein forms R290P.
Identifiers: ClinVar variation 2778061 (VCV002778061.3), dbSNP rs757741103, ClinGen allele CA409712287.
Genomic context (GRCh38, chr20:63,698,529, plus strand): 5'-GGGCGCTGCTGGTGCGGCTGCTGCAGGCGCTGCGCGTGGCCAGGATGCCCGGGCTGGAGC[G>C]GAGCGTCCGTGAGCGCTTCCTCCCTGTGCACTGATCCTGGCCCCCTCTTATTTATTCTAC-3'
Protein context (NP_003814.1, residues 280-300): LRVARMPGLE[Arg290Pro]SVRERFLPVH

ClinVar aggregate classification (germline): Uncertain significance (1 of 4 stars; one submission).

Submission:

Labcorp Genetics (formerly Invitae), Labcorp
Classification: Uncertain significance. Last evaluated: 2023-01-29. Review status: criteria provided, single submitter. Criteria: Invitae Variant Classification Sherloc (09022015). Collection method: clinical testing. Allele origin: germline.
Comment: This sequence change replaces arginine, which is basic and polar, with proline, which is neutral and non-polar, at codon 290 of the TNFRSF6B protein (p.Arg290Pro). This variant is not present in population databases (gnomAD no frequency). This variant has not been reported in the literature in individuals affected with TNFRSF6B-related conditions. Algorithms developed to predict the effect of missense changes on protein structure and function are either unavailable or do not agree on the potential impact of this missense change (SIFT: "Deleterious"; PolyPhen-2: "Possibly Damaging"; Align-GVGD: "Class C0"). In summary, the available evidence is currently insufficient to determine the role of this variant in disease. Therefore, it has been classified as a Variant of Uncertain Significance.